The following is an entry in ClinVar:

NM_000751.3(CHRND):c.812C>T (p.Pro271Leu)

Gene: CHRND (cholinergic receptor nicotinic delta subunit; plus strand). Cytogenetic location: 2q37.1.
Variant type: single nucleotide variant.
Coding change: c.812C>T on transcript NM_000751.3 (MANE Select); coding-DNA position 812, C replaced by T.
Protein change: p.Pro271Leu; replaces proline 271 with leucine.
Molecular consequence: missense variant. On other transcripts: intron variant (1).
Genome position (GRCh38, 1-based): chr2:232,530,131, C>T. VCF-style: chr2-232530131-C-T. GRCh37 (hg19) VCF-style: chr2-233394841-C-T.
Other names: c.767C>T, p.Pro256Leu (NM_001256657.2); c.509C>T, p.Pro170Leu (NM_001311196.2); c.239-1221C>T (NM_001311195.2); short protein forms P170L, P256L, P271L.
Identifiers: ClinVar variation 4615365 (VCV004615365.3).

ClinVar aggregate classification (germline): Conflicting classifications of pathogenicity. Review status: criteria provided, conflicting classifications (1 of 4 stars). 2 submissions from 2 submitters: Likely pathogenic (1); Uncertain significance (1). Last evaluated 2025-12-09.

Conditions:
Congenital myasthenic syndrome 3B (CMS3B). Also called: Myasthenic syndrome, congenital, 3B, fast-channel. Identifiers: Orphanet 590, MedGen C4225371, MONDO:0014584, OMIM 616322.
Lethal multiple pterygium syndrome (LMPS). Identifiers: Orphanet 33108, MedGen C1854678, MONDO:0009668, OMIM 253290.
Congenital myasthenic syndrome 3C. Also called: Myasthenic syndrome, congenital, 3c, associated with acetylcholine receptor deficiency. Identifiers: Orphanet 590, MedGen C4225370, MONDO:0014585, OMIM 616323.
Congenital myasthenic syndrome 3A. Also called: Myasthenic syndrome, congenital, 3a, slow-channel. Identifiers: Orphanet 590, MedGen C4225372, MONDO:0014583, OMIM 616321.
Inborn genetic diseases. Identifiers: MedGen C0950123, MeSH D030342.

Submissions (2):

Ambry Genetics
Classification: Uncertain significance for Inborn genetic diseases. Last evaluated: 2025-12-09. Review status: criteria provided, single submitter. Criteria: Ambry Variant Classification Scheme 2023. Collection method: clinical testing. Allele origin: germline.

Juno Genomics, Hangzhou Juno Genomics, Inc
Classification: Likely pathogenic for Congenital myasthenic syndrome 3A; Congenital myasthenic syndrome 3C; Lethal multiple pterygium syndrome; Congenital myasthenic syndrome 3B. Review status: criteria provided, single submitter. Criteria: ACMG Guidelines, 2015. Collection method: clinical testing. Allele origin: germline.
Comment: Absent from controls (or at extremely low frequency if recessive) in Genome Aggregation Database.;Multiple lines of computational evidence support a deleterious effect on the gene or gene product.;Novel missense change at an amino acid residue where a different missense change determined to be pathogenic has been seen before.;For recessive disorders, detected in trans with a pathogenic variant.